The following is an entry in ClinVar:

NM_001005242.3(PKP2):c.1378+1G>A

Gene: PKP2 (plakophilin 2; minus strand). Cytogenetic location: 12p11.21.
Variant type: single nucleotide variant.
Coding change: c.1378+1G>A on transcript NM_001005242.3 (MANE Select); the canonical splice donor site of the intron after coding-DNA position 1378, G replaced by A.
Molecular consequence: splice donor variant.
Genome position (GRCh38, 1-based): chr12:32,850,765, C>T on the plus strand (G>A on the coding strand, the complement: PKP2 is on the minus strand). VCF-style: chr12-32850765-C-T. GRCh37 (hg19) VCF-style: chr12-33003699-C-T.
Other names: c.1378+1G>A (NM_001407156.1, NM_001407155.1, NM_004572.4 and 2 more transcripts); c.1051+1G>A (NM_001407160.1, NM_001407159.1, NM_001407158.1 and 1 more transcripts).
Identifiers: ClinVar variation 923177 (VCV000923177.14), dbSNP rs397516994, ClinGen allele CA384369466.
Genomic context (GRCh38, chr12:32,850,765, plus strand): 5'-ATGTAAGGCATCTGGCTGGGGTGCAAATGTGTTAGGTTCTTCAATGTTCAGTAAGCACTA[C>T]CTGTTATTTGTTTTTTAGTCTCCAAGTCTCTGGTTTGCTTCAGCACCTGGAGCAGCCGAG-3'

ClinVar aggregate classification (germline): Pathogenic/Likely pathogenic. Review status: criteria provided, multiple submitters, no conflicts (2 of 4 stars). 4 submissions from 4 submitters: Pathogenic (3); Likely pathogenic (1). Last evaluated 2023-08-27.

Conditions:
PKP2-related disorder. Also called: PKP2-related condition.
Arrhythmogenic right ventricular dysplasia 9 (ARVD9). Also called: Arrhythmogenic Right Ventricular Dysplasia/Cardiomyopathy 9; ARRHYTHMOGENIC RIGHT VENTRICULAR DYSPLASIA, FAMILIAL, 9. Identifiers: MedGen C1836906, MONDO:0012180, OMIM 609040.
Cardiomyopathy (CMYO). Also called: Cardiomyopathies. Identifiers: Orphanet 167848, MedGen C0878544, MONDO:0004994, HP:0001638. Inheritance: Various modes of inheritance.

gnomAD v4.1: 3 of 1,609,914 alleles (0.00019%); highest among the groups gnomAD compares: Non-Finnish European, 0.00017%; no homozygotes.

Submissions (4):

GeneDx
Classification: Pathogenic. Last evaluated: 2023-08-27. Review status: criteria provided, single submitter. Criteria: GeneDx Variant Classification Process June 2021. Collection method: clinical testing. Allele origin: germline. Affected: yes.
Comment: Not observed at significant frequency in large population cohorts (gnomAD); Published functional studies suggest a damaging effect by dramatically reduced expression of connexin34, though the variant does not appear to alter the organization of intercalated disk proteins (PMID: 18662195); Canonical splice site variant predicted to result in a null allele in a gene for which loss of function is a known mechanism of disease; This variant is associated with the following publications: (PMID: 31402444, 35819174, 32522011, 28523642, 18662195, 30830208)

Blueprint Genetics
Classification: Pathogenic for PKP2-related disorders. Last evaluated: 2022-11-11. Review status: criteria provided, single submitter. Criteria: ACMG Guidelines, 2015. Collection method: clinical testing. Allele origin: germline. Affected: yes. Observed: 3 variant alleles.

Labcorp Genetics (formerly Invitae), Labcorp
Classification: Pathogenic for Arrhythmogenic right ventricular dysplasia 9. Last evaluated: 2022-04-07. Review status: criteria provided, single submitter. Criteria: Invitae Variant Classification Sherloc (09022015). Collection method: clinical testing. Allele origin: germline.
Comment: For these reasons, this variant has been classified as Pathogenic. Algorithms developed to predict the effect of sequence changes on RNA splicing suggest that this variant may disrupt the consensus splice site. ClinVar contains an entry for this variant (Variation ID: 923177). This variant is also known as D460fsX464. Disruption of this splice site has been observed in individuals with arrhythmogenic right ventricular cardiomyopathy (ARVC) (PMID: 18662195, 20400443). This variant is not present in population databases (gnomAD no frequency). This sequence change affects a donor splice site in intron 5 of the PKP2 gene. It is expected to disrupt RNA splicing. Variants that disrupt the donor or acceptor splice site typically lead to a loss of protein function (PMID: 16199547), and loss-of-function variants in PKP2 are known to be pathogenic (PMID: 15489853, 23911551).

Color Diagnostics, LLC DBA Color Health
Classification: Likely pathogenic for Cardiomyopathy. Last evaluated: 2019-12-03. Review status: criteria provided, single submitter. Criteria: ACMG Guidelines, 2015. Collection method: clinical testing. Allele origin: germline.
Comment: This variant causes a G>A nucleotide substitution at the +1 position of intron 5 of the PKP2 gene. Splice site prediction tools predict that this variant may have a significant impact on RNA splicing. Although functional studies have not been performed for this variant, this variant is predicted to result in an absent or non-functional protein product. This variant has not been reported in an individual affected with arrhythmogenic right ventricular cardiomyopathy (PMID: 28523642). This variant has not been identified in the general population by the Genome Aggregation Database (gnomAD). Loss of PKP2 function is a known mechanism of disease. Based on the available evidence, this variant is classified as Likely Pathogenic.

Literature cited by the submitters: PubMed 18662195 (cited by Labcorp Genetics (formerly Invitae), Labcorp); PubMed 20400443 (cited by Labcorp Genetics (formerly Invitae), Labcorp); PubMed 16199547 (cited by Labcorp Genetics (formerly Invitae), Labcorp); PubMed 15489853 (cited by Labcorp Genetics (formerly Invitae), Labcorp); PubMed 23911551 (cited by Labcorp Genetics (formerly Invitae), Labcorp).